The following is an entry in ClinVar:

ClinVar aggregate classification (germline): Likely benign. Review status: criteria provided, multiple submitters, no conflicts (2 of 4 stars). 2 submissions from 2 submitters: Likely benign (2). Last evaluated 2025-05-27.

Conditions:
Tuberous sclerosis 2 (TSC2). Identifiers: Orphanet 805, MedGen C1860707, MONDO:0013199, OMIM 613254.

gnomAD v4.1: 2 of 1,612,354 alleles (0.00012%); highest among the groups gnomAD compares: East Asian, 0.0022%; no homozygotes.

Submissions (2):

Myriad Genetics, Inc.
Classification: Likely benign for Tuberous sclerosis 2. Last evaluated: 2025-05-27. Review status: criteria provided, single submitter. Criteria: Myriad Autosomal Dominant, Autosomal Recessive and X-Linked Classification Criteria (2023). Collection method: clinical testing. Allele origin: unknown.
Comment: This variant is considered likely benign. This variant is intronic and is not expected to impact mRNA splicing.

Labcorp Genetics (formerly Invitae), Labcorp
Classification: Likely benign for Tuberous sclerosis 2. Last evaluated: 2025-05-22. Review status: criteria provided, single submitter. Criteria: Invitae Variant Classification Sherloc (09022015). Collection method: clinical testing. Allele origin: germline.

NM_000548.5(TSC2):c.2967-12C>T

Gene: TSC2 (TSC complex subunit 2; plus strand). Cytogenetic location: 16p13.3.
Variant type: single nucleotide variant.
Coding change: c.2967-12C>T on transcript NM_000548.5 (MANE Select); 12 bases into the intron before coding-DNA position 2967, C replaced by T.
Molecular consequence: intron variant.
Genome position (GRCh38, 1-based): chr16:2,079,020, C>T. VCF-style: chr16-2079020-C-T. GRCh37 (hg19) VCF-style: chr16-2129021-C-T.
Other names: c.2967-12C>T (NM_001114382.3); c.2838-12C>T (NM_021055.3, NM_001370405.1, NM_001363528.2); c.2838-15C>T (NM_001370404.1, NM_001077183.3); c.2727-12C>T (NM_001318827.2); c.2238-15C>T (NM_001318831.2); c.2691-12C>T (NM_001318829.2); c.2871-15C>T (NM_001318832.2).
Identifiers: ClinVar variation 1558289 (VCV001558289.9), dbSNP rs2151429722, ClinGen allele CA2573151635.